The following is an entry in ClinVar:

ClinVar aggregate classification (germline): Uncertain significance (1 of 4 stars; one submission).

Conditions:
Hereditary cancer-predisposing syndrome. Also called: Neoplastic Syndromes, Hereditary; Tumor predisposition; Hereditary neoplastic syndrome; Hereditary Cancer Syndrome. Identifiers: Orphanet 140162, MedGen C0027672, MeSH D009386, MONDO:0015356.

Submission:

Ambry Genetics
Classification: Uncertain significance for Hereditary cancer-predisposing syndrome. Last evaluated: 2026-07-29. Review status: criteria provided, single submitter. Criteria: Ambry Variant Classification Scheme 2023. Collection method: clinical testing. Allele origin: germline.
Comment: The p.P574R variant (also known as c.1721C>G), located in coding exon 11 of the PMS2 gene, results from a C to G substitution at nucleotide position 1721. The proline at codon 574 is replaced by arginine, an amino acid with dissimilar properties. This amino acid position is not well conserved in available vertebrate species. In addition, this alteration is predicted to be tolerated by in silico analysis. Based on the available evidence, the clinical significance of this variant remains unclear.

NM_000535.7(PMS2):c.1721C>G (p.Pro574Arg)

Gene: PMS2 (PMS1 homolog 2, mismatch repair system component; minus strand). Cytogenetic location: 7p22.1.
Variant type: single nucleotide variant.
Coding change: c.1721C>G on transcript NM_000535.7 (MANE Select); coding-DNA position 1721, C replaced by G.
Protein change: p.Pro574Arg; replaces proline 574 with arginine.
Molecular consequence: missense variant. On other transcripts: non-coding transcript variant (1), intron variant (1).
Genome position (GRCh38, 1-based): chr7:5,987,044, G>C on the plus strand (C>G on the coding strand, the complement: PMS2 is on the minus strand). VCF-style: chr7-5987044-G-C. GRCh37 (hg19) VCF-style: chr7-6026675-G-C.
Other names: c.1523C>G, p.Pro508Arg (NM_001406873.1); c.1553C>G, p.Pro518Arg (NM_001406874.1); c.1412C>G, p.Pro471Arg (NM_001406875.1, NM_001406877.1, NM_001406878.1 and 5 more transcripts); c.1403C>G, p.Pro468Arg (NM_001406876.1, NM_001406883.1, NM_001406903.1 and 2 more transcripts); c.1316C>G, p.Pro439Arg (NM_001406892.1, NM_001406893.1, NM_001406894.1 and 16 more transcripts); c.1256C>G, p.Pro419Arg (NM_001406900.1); c.950C>G, p.Pro317Arg (NM_001406911.1); c.804-4053C>G (NM_001406912.1); and 13 more; short protein forms P403R, P466R, P468R, P471R, P263R, P317R, P416R, P508R.
Identifiers: ClinVar variation 5026930 (VCV005026930.1).